The following is an entry in ClinVar:

NM_001365792.1(DAB1):c.438G>A (p.Ala146=)

Gene: DAB1 (DAB adaptor protein 1; minus strand). Cytogenetic location: 1p32.2.
Variant type: single nucleotide variant.
Coding change: c.438G>A on transcript NM_001365792.1 (MANE Select); coding-DNA position 438, G replaced by A.
Protein change: p.Ala146=; no amino-acid change (alanine 146 retained).
Molecular consequence: synonymous variant.
Genome position (GRCh38, 1-based): chr1:57,072,283, C>T on the plus strand (G>A on the coding strand, the complement: DAB1 is on the minus strand). VCF-style: chr1-57072283-C-T. GRCh37 (hg19) VCF-style: chr1-57537956-C-T.
Other names: c.438G>A, p.Ala146= (NM_001353983.2, NM_001353985.2, NM_001353986.2 and 5 more transcripts).
Identifiers: ClinVar variation 2635858 (VCV002635858.3), dbSNP rs887789978, ClinGen allele CA23086776.

ClinVar aggregate classification (germline): Uncertain significance (0 of 4 stars; one submission).

Conditions:
DAB1-related disorder. Also called: DAB1-related condition.

Allele frequency attached by ClinVar (database versions not stated): gnomAD 0.00001; TOPMed 0.00001; 1000 Genomes Project 30x 0.00016.
gnomAD v4.1: 16 of 1,613,342 alleles (0.00099%); highest among the groups gnomAD compares: East Asian, 0.0067%; no homozygotes.

Submission:

PreventionGenetics, part of Exact Sciences
Classification: Uncertain significance for DAB1-related condition. Last evaluated: 2023-12-22. Review status: no assertion criteria provided. Collection method: clinical testing. Allele origin: germline.
Comment: The DAB1 c.438G>A variant is not predicted to result in an amino acid change (p.=). Based on available splicing prediction programs (Alamut Visual Plus v1.6.1) this variant is predicted to weaken the canonical splice donor site; however, to date this prediction has not been proven by functional studies. To our knowledge, this variant has not been reported in the literature. This variant is reported in 0.0050% of alleles in individuals of East Asian descent in gnomAD. At this time, the clinical significance of this variant is uncertain due to the absence of conclusive functional and genetic evidence.